The following is an entry in ClinVar:

NM_015175.3(NBEAL2):c.7103dup (p.His2368fs)

Gene: NBEAL2 (neurobeachin like 2; plus strand). Cytogenetic location: 3p21.31.
Variant type: Duplication.
Coding change: c.7103dup on transcript NM_015175.3 (MANE Select); coding-DNA position 7103, one base duplicated (A; older notation c.7103dupA).
Protein change: p.His2368fs; shifts the reading frame from histidine 2368.
Molecular consequence: frameshift variant.
Genome position (GRCh38, 1-based): chr3:47,006,418, A duplicated. VCF-style (leftmost placement, unchanged base first): chr3-47006417-C-CA. GRCh37 (hg19) VCF-style: chr3-47047907-C-CA.
Other names: c.7001dup, p.His2334fs (NM_001365116.2); short protein forms H2334fs, H2368fs.
Identifiers: ClinVar variation 1684440 (VCV001684440.1), dbSNP rs2107448208, ClinGen allele CA2573136995.

ClinVar aggregate classification (germline): Likely pathogenic (0 of 4 stars; one submission).

Conditions:
Gray platelet syndrome (GPS). Also called: BLEEDING DISORDER, PLATELET-TYPE, 4. Identifiers: Orphanet 721, MedGen C0272302, MONDO:0007686, OMIM 139090.

Allele frequency attached by ClinVar (database versions not stated): gnomAD exomes below 0.00001.

Submission:

ISTH-SSC Genomics in Thrombosis and Hemostasis, KU Leuven, Center for Molecular and Vascular Biology
Classification: Likely pathogenic for Gray platelet syndrome. Review status: no assertion criteria provided. Collection method: research. Allele origin: unknown. Affected: yes.
Comment: Submitted to GoldVariant by Dr Marie-Christine Morel-Kopp from Northern Blood Research Centre, Sydney, Australia